The following is an entry in ClinVar:

NM_017950.4(CCDC40):c.2953G>T (p.Ala985Ser)

Gene: CCDC40 (coiled-coil domain 40 molecular ruler complex subunit; plus strand). Cytogenetic location: 17q25.3.
Variant type: single nucleotide variant.
Coding change: c.2953G>T on transcript NM_017950.4 (MANE Select); coding-DNA position 2953, G replaced by T.
Protein change: p.Ala985Ser; replaces alanine 985 with serine.
Molecular consequence: missense variant.
Genome position (GRCh38, 1-based): chr17:80,095,383, G>T. VCF-style: chr17-80095383-G-T. GRCh37 (hg19) VCF-style: chr17-78069182-G-T.
Other names: p.Ala985Ser; short protein forms A985S.
Identifiers: ClinVar variation 2052650 (VCV002052650.5), dbSNP rs1260469681, ClinGen allele CA401355063.
Genomic context (GRCh38, chr17:80,095,383, plus strand): 5'-GTTGCCCGCAGAGAGACCGTCACCACCCAGGCCGAGGGGCAGCGCAAGATGGACAGGAAG[G>T]CGCTCACCCGCACCGACTTCCACCACAAGCAGCTTGAGCTGCGCCGGAAAATCAGGGACG-3'
Protein context (NP_060420.2, residues 975-995): AEGQRKMDRK[Ala985Ser]LTRTDFHHKQ

ClinVar aggregate classification (germline): Uncertain significance. Review status: criteria provided, multiple submitters, no conflicts (2 of 4 stars). 2 submissions from 2 submitters: Uncertain significance (2). Last evaluated 2024-05-31.

Conditions:
Primary ciliary dyskinesia. Also called: Ciliary dyskinesia. Identifiers: Orphanet 244, MedGen C0008780, MONDO:0016575, HP:0012265.

Allele frequency attached by ClinVar (database versions not stated): gnomAD exomes below 0.00001; TOPMed below 0.00001.
gnomAD v4.1: 2 of 1,614,120 alleles (0.00012%); highest among the groups gnomAD compares: Admixed American, 0.0033%; no homozygotes.

Submissions (2):

Mayo Clinic Laboratories, Mayo Clinic
Classification: Uncertain significance. Last evaluated: 2024-05-31. Review status: criteria provided, single submitter. Criteria: ACMG Guidelines, 2015. Collection method: clinical testing. Allele origin: germline. Observed: 1 variant allele.
Comment: BP4, PM2

Labcorp Genetics (formerly Invitae), Labcorp
Classification: Uncertain significance for Primary ciliary dyskinesia. Last evaluated: 2022-03-25. Review status: criteria provided, single submitter. Criteria: Invitae Variant Classification Sherloc (09022015). Collection method: clinical testing. Allele origin: germline.
Comment: This variant has not been reported in the literature in individuals affected with CCDC40-related conditions. This variant is present in population databases (no rsID available, gnomAD 0.006%). This sequence change replaces alanine, which is neutral and non-polar, with serine, which is neutral and polar, at codon 985 of the CCDC40 protein (p.Ala985Ser). Algorithms developed to predict the effect of missense changes on protein structure and function (SIFT, PolyPhen-2, Align-GVGD) all suggest that this variant is likely to be tolerated. In summary, the available evidence is currently insufficient to determine the role of this variant in disease. Therefore, it has been classified as a Variant of Uncertain Significance.